The following is an entry in ClinVar:

ClinVar aggregate classification (germline): Uncertain significance. Review status: criteria provided, multiple submitters, no conflicts (2 of 4 stars). 3 submissions from 3 submitters: Uncertain significance (3). Last evaluated 2025-04-02.

Conditions:
Cardiovascular phenotype. Identifiers: MedGen CN230736.
Long QT syndrome 11 (LQT11). Identifiers: Orphanet 101016, Orphanet 768, MedGen C2678483, MONDO:0012738, OMIM 611820.
Long QT syndrome (LQTS). Identifiers: MedGen C0023976, MeSH D008133, MONDO:0002442. Disease mechanism: loss of function. Inheritance: Various modes of inheritance.

Allele frequency attached by ClinVar (database versions not stated): TOPMed below 0.00001; gnomAD exomes 0.00001.
gnomAD v4.1: 10 of 1,613,336 alleles (0.00062%); highest among the groups gnomAD compares: Non-Finnish European, 0.00085%; no homozygotes.

Submissions (3):

Ambry Genetics
Classification: Uncertain significance for Cardiovascular phenotype. Last evaluated: 2025-04-02. Review status: criteria provided, single submitter. Criteria: Ambry Variant Classification Scheme 2023. Collection method: clinical testing. Allele origin: germline.
Comment: The p.K291I variant (also known as c.872A>T), located in coding exon 7 of the AKAP9 gene, results from an A to T substitution at nucleotide position 872. The lysine at codon 291 is replaced by isoleucine, an amino acid with dissimilar properties. This amino acid position is conserved. In addition, this alteration is predicted to be tolerated by in silico analysis. Based on the available evidence, the clinical significance of this variant remains unclear.

Fulgent Genetics
Classification: Uncertain significance for Long QT syndrome 11. Last evaluated: 2024-04-30. Review status: criteria provided, single submitter. Criteria: ACMG Guidelines, 2015. Collection method: clinical testing. Allele origin: germline.

Labcorp Genetics (formerly Invitae), Labcorp
Classification: Uncertain significance for Long QT syndrome. Last evaluated: 2024-02-17. Review status: criteria provided, single submitter. Criteria: Invitae Variant Classification Sherloc (09022015). Collection method: clinical testing. Allele origin: germline.
Comment: This sequence change replaces lysine, which is basic and polar, with isoleucine, which is neutral and non-polar, at codon 291 of the AKAP9 protein (p.Lys291Ile). This variant is present in population databases (no rsID available, gnomAD 0.003%). This variant has not been reported in the literature in individuals affected with AKAP9-related conditions. ClinVar contains an entry for this variant (Variation ID: 645741). An algorithm developed to predict the effect of missense changes on protein structure and function (PolyPhen-2) suggests that this variant is likely to be disruptive. In summary, the available evidence is currently insufficient to determine the role of this variant in disease. Therefore, it has been classified as a Variant of Uncertain Significance.

NM_005751.5(AKAP9):c.872A>T (p.Lys291Ile)

Gene: AKAP9 (A-kinase anchoring protein 9; plus strand). Cytogenetic location: 7q21.2.
Variant type: single nucleotide variant.
Coding change: c.872A>T on transcript NM_005751.5 (MANE Select); coding-DNA position 872, A replaced by T.
Protein change: p.Lys291Ile; replaces lysine 291 with isoleucine.
Molecular consequence: missense variant.
Genome position (GRCh38, 1-based): chr7:91,995,742, A>T. VCF-style: chr7-91995742-A-T. GRCh37 (hg19) VCF-style: chr7-91625056-A-T.
Other names: c.872A>T, p.Lys291Ile (NM_147185.3); short protein forms K291I.
Identifiers: ClinVar variation 645741 (VCV000645741.12), dbSNP rs1279150801, ClinGen allele CA368120421.